The following is an entry in ClinVar:

NM_000368.5(TSC1):c.1142C>T (p.Ala381Val)

Gene: TSC1 (TSC complex subunit 1; minus strand). Cytogenetic location: 9q34.13.
Variant type: single nucleotide variant.
Coding change: c.1142C>T on transcript NM_000368.5 (MANE Select); coding-DNA position 1142, C replaced by T.
Protein change: p.Ala381Val; replaces alanine 381 with valine.
Molecular consequence: missense variant. On other transcripts: non-coding transcript variant (4), intron variant (21).
Genome position (GRCh38, 1-based): chr9:132,910,692, G>A on the plus strand (C>T on the coding strand, the complement: TSC1 is on the minus strand). VCF-style: chr9-132910692-G-A. GRCh37 (hg19) VCF-style: chr9-135786079-G-A.
Other names: c.779C>T, p.Ala260Val (NM_001406619.1, NM_001406624.1, NM_001362177.2 and 5 more transcripts); c.191C>T, p.Ala64Val (NM_001406626.1); c.779-3C>T (NM_001406620.1, NM_001406625.1, NM_001406621.1 and 2 more transcripts); c.989-3C>T (NM_001406613.1, NM_001406612.1, NM_001406611.1); c.191-3C>T (NM_001406627.1, NM_001406628.1); c.92-3C>T (NM_001406629.1, NM_001406630.1); c.1142-3C>T (NM_001406603.1, NM_001406609.1, NM_001406597.1 and 6 more transcripts); c.989C>T, p.Ala330Val (NM_001162427.2, NM_001406610.1); and 1 more; short protein forms A381V, A64V, A260V, A330V.
Identifiers: ClinVar variation 3720835 (VCV003720835.2).
Genomic context (GRCh38, chr9:132,910,692, plus strand): 5'-CAGAGTGGGGCTGGAGGAGGAGAGGTTGCTGGGGTTCCCAGAGGAGTTCCTTTTCCACCT[G>A]CTTAGAGACAAGGGCAGAACATATATGAACACTGAGCCCAACTATTAGAAAAACTGCCGA-3'
Protein context (NP_000359.1, residues 371-391): HPYSKVFGTT[Ala381Val]GGKGTPLGTP

ClinVar aggregate classification (germline): Uncertain significance (1 of 4 stars; one submission).

Conditions:
Tuberous sclerosis 1 (TSC1). Identifiers: Orphanet 805, MedGen C1854465, MONDO:0008612, OMIM 191100.

gnomAD v4.1: 1 of 1,613,632 alleles (0.000062%); highest among the groups gnomAD compares: Non-Finnish European, 0.000085%; no homozygotes.

Submission:

Labcorp Genetics (formerly Invitae), Labcorp
Classification: Uncertain significance for Tuberous sclerosis 1. Last evaluated: 2024-12-24. Review status: criteria provided, single submitter. Criteria: Invitae Variant Classification Sherloc (09022015). Collection method: clinical testing. Allele origin: germline.
Comment: This sequence change replaces alanine, which is neutral and non-polar, with valine, which is neutral and non-polar, at codon 381 of the TSC1 protein (p.Ala381Val). This variant is not present in population databases (gnomAD no frequency). This variant has not been reported in the literature in individuals affected with TSC1-related conditions. Invitae Evidence Modeling of protein sequence and biophysical properties (such as structural, functional, and spatial information, amino acid conservation, physicochemical variation, residue mobility, and thermodynamic stability) indicates that this missense variant is not expected to disrupt TSC1 protein function with a negative predictive value of 95%. Algorithms developed to predict the effect of sequence changes on RNA splicing suggest that this variant may disrupt the consensus splice site. In summary, the available evidence is currently insufficient to determine the role of this variant in disease. Therefore, it has been classified as a Variant of Uncertain Significance.